The following is an entry in ClinVar:

NM_020987.5(ANK3):c.3488A>G (p.Gln1163Arg)

Gene: ANK3 (ankyrin 3; minus strand). Cytogenetic location: 10q21.2.
Variant type: single nucleotide variant.
Coding change: c.3488A>G on transcript NM_020987.5 (MANE Select); coding-DNA position 3488, A replaced by G.
Protein change: p.Gln1163Arg; replaces glutamine 1163 with arginine.
Molecular consequence: missense variant.
Genome position (GRCh38, 1-based): chr10:60,088,199, T>C on the plus strand (A>G on the coding strand, the complement: ANK3 is on the minus strand). VCF-style: chr10-60088199-T-C. GRCh37 (hg19) VCF-style: chr10-61847957-T-C.
Other names: c.890A>G, p.Gln297Arg (NM_001149.4); c.3470A>G, p.Gln1157Arg (NM_001204403.2); c.3491A>G, p.Gln1164Arg (NM_001204404.2); c.3488A>G, p.Gln1163Arg (NM_001320874.2); c.3488A>G (NM_020987.3); short protein forms Q1157R, Q1163R, Q1164R, Q297R.
Identifiers: ClinVar variation 977447 (VCV000977447.10), dbSNP rs746416574, ClinGen allele CA5512474.

ClinVar aggregate classification (germline): Uncertain significance. Review status: criteria provided, multiple submitters, no conflicts (2 of 4 stars). 3 submissions from 3 submitters: Uncertain significance (3). Last evaluated 2023-12-15.

Conditions:
Intellectual developmental disorder, autosomal recessive 37. Also called: Intellectual disability-hypotonia-spasticity-sleep disorder syndrome. Identifiers: Orphanet 356996, MedGen C3809672, MONDO:0014210, OMIM 615493.
Inborn genetic diseases. Identifiers: MedGen C0950123, MeSH D030342.

Allele frequency attached by ClinVar (database versions not stated): gnomAD exomes 0.00001 and 0.00002; ExAC 0.00002; gnomAD 0.00009; TOPMed 0.00022.
gnomAD v4.1: 22 of 1,614,068 alleles (0.0014%); highest among the groups gnomAD compares: Admixed American, 0.032%; no homozygotes.

Submissions (3):

Ambry Genetics
Classification: Uncertain significance for Inborn genetic diseases. Last evaluated: 2023-12-15. Review status: criteria provided, single submitter. Criteria: Ambry Variant Classification Scheme 2023. Collection method: clinical testing. Allele origin: germline.

Labcorp Genetics (formerly Invitae), Labcorp
Classification: Uncertain significance. Last evaluated: 2022-05-25. Review status: criteria provided, single submitter. Criteria: Invitae Variant Classification Sherloc (09022015). Collection method: clinical testing. Allele origin: germline.
Comment: Algorithms developed to predict the effect of missense changes on protein structure and function are either unavailable or do not agree on the potential impact of this missense change (SIFT: "Not Available"; PolyPhen-2: "Benign"; Align-GVGD: "Not Available"). ClinVar contains an entry for this variant (Variation ID: 977447). This variant has not been reported in the literature in individuals affected with ANK3-related conditions. This variant is present in population databases (rs746416574, gnomAD 0.006%). This sequence change replaces glutamine, which is neutral and polar, with arginine, which is basic and polar, at codon 1163 of the ANK3 protein (p.Gln1163Arg). In summary, the available evidence is currently insufficient to determine the role of this variant in disease. Therefore, it has been classified as a Variant of Uncertain Significance.

New York Genome Center
Classification: Uncertain significance for Intellectual developmental disorder, autosomal recessive 37. Last evaluated: 2019-12-13. Review status: criteria provided, single submitter. Criteria: NYGC Assertion Criteria 2020. Collection method: clinical testing. Allele origin: germline. Observed: 1 heterozygote. Study: CSER-NYCKidSeq.